The following is an entry in ClinVar:

ClinVar aggregate classification (germline): Conflicting classifications of pathogenicity. Review status: criteria provided, conflicting classifications (1 of 4 stars). 6 submissions from 6 submitters: Uncertain significance (1); Likely benign (4). 1 of the submissions does not count toward it. Last evaluated 2025-01-01.

Conditions:
TTN-related disorder. Also called: TTN-related disorders; TTN-related condition; TTN-related disease.
Dilated cardiomyopathy 1G (CMD1G). Identifiers: Orphanet 154, MedGen C1858763, MONDO:0011400, OMIM 604145.
Autosomal recessive limb-girdle muscular dystrophy type 2J (LGMDR10). Also called: Limb-girdle muscular dystrophy, type 2J; MUSCULAR DYSTROPHY, LIMB-GIRDLE, AUTOSOMAL RECESSIVE 10. Identifiers: Orphanet 140922, MedGen C1837342, MONDO:0012127, OMIM 608807.

Allele frequency attached by ClinVar (database versions not stated): gnomAD 0.00003 and 0.00004; ExAC 0.00005; gnomAD exomes 0.00006; TOPMed 0.00007; ESP Exome Variant Server 0.00017.
gnomAD v4.1: 93 of 1,612,544 alleles (0.0058%); highest among the groups gnomAD compares: Non-Finnish European, 0.007%; no homozygotes.

Submissions (6):

CeGaT Center for Human Genetics Tuebingen
Classification: Likely benign. Last evaluated: 2025-01-01. Review status: criteria provided, single submitter. Criteria: CeGaT Center For Human Genetics Tuebingen Variant Classification Criteria Version 2. Collection method: clinical testing. Allele origin: germline. Affected: yes. Observed: 2 variant alleles.
Comment: TTN: BP4, BP7

Blueprint Genetics
Classification: Likely benign. Last evaluated: 2024-07-29. Review status: criteria provided, single submitter. Criteria: ACMG Guidelines, 2015. Collection method: clinical testing. Allele origin: germline.

GeneDx
Classification: Likely benign. Last evaluated: 2016-07-14. Review status: criteria provided, single submitter. Criteria: GeneDx Variant Classification (06012015). Collection method: clinical testing. Allele origin: germline. Affected: yes.
Comment: This variant is considered likely benign or benign based on one or more of the following criteria: it is a conservative change, it occurs at a poorly conserved position in the protein, it is predicted to be benign by multiple in silico algorithms, and/or has population frequency not consistent with disease.

Labcorp Genetics (formerly Invitae), Labcorp
Classification: Uncertain significance for Dilated cardiomyopathy 1G; Autosomal recessive limb-girdle muscular dystrophy type 2J. Last evaluated: 2016-07-01. Review status: criteria provided, single submitter. Criteria: Invitae Variant Classification Sherloc (09022015). Collection method: clinical testing. Allele origin: germline.

Laboratory for Molecular Medicine, Mass General Brigham Personalized Medicine
Classification: Likely benign. Last evaluated: 2012-03-19. Review status: criteria provided, single submitter. Criteria: LMM Criteria. Collection method: clinical testing. Allele origin: germline. Observed: 1 variant allele.
Comment: p.Pro10658Pro in Exon 158 of TTN: This variant is not expected to have clinical significance because it does not alter an amino acid residue, is not located wit hin the splice consensus sequence. It has been identified in 1/6544 European Ame rican chromosomes from a broad population by the NHLBI Exome Sequencing Project.

PreventionGenetics, part of Exact Sciences
Classification: Likely benign for TTN-related condition. Last evaluated: 2023-06-14. Review status: no assertion criteria provided. Collection method: clinical testing. Allele origin: germline. Not counted in ClinVar's aggregate classification.
Comment: This variant is classified as likely benign based on ACMG/AMP sequence variant interpretation guidelines (Richards et al. 2015 PMID: 25741868, with internal and published modifications).

NM_001267550.2(TTN):c.39276G>A (p.Pro13092=)

Gene: TTN (titin; minus strand). Cytogenetic location: 2q31.2.
Variant type: single nucleotide variant.
Coding change: c.39276G>A on transcript NM_001267550.2 (MANE Select); coding-DNA position 39276, G replaced by A.
Protein change: p.Pro13092=; no amino-acid change (proline 13092 retained).
Molecular consequence: synonymous variant. On other transcripts: intron variant (3).
Genome position (GRCh38, 1-based): chr2:178,652,115, C>T on the plus strand (G>A on the coding strand, the complement: TTN is on the minus strand). VCF-style: chr2-178652115-C-T. GRCh37 (hg19) VCF-style: chr2-179516842-C-T.
Other names: c.34755G>A, p.Pro11585= (NM_001256850.1); c.31974G>A, p.Pro10658= (NM_133378.4); c.13283-9798G>A (NM_003319.4); c.13859-9798G>A (NM_133437.4); c.13658-9798G>A (NM_133432.3).
Identifiers: ClinVar variation 178224 (VCV000178224.31), dbSNP rs369002632, ClinGen allele CA181834.